The following is an entry in ClinVar:

ClinVar aggregate classification (germline): Likely benign (1 of 4 stars; one submission).

Allele frequency attached by ClinVar (database versions not stated): 1000 Genomes Project 0.00020; 1000 Genomes Project 30x 0.00031; ExAC 0.00038; gnomAD 0.00041; gnomAD exomes 0.00041; ESP Exome Variant Server 0.00054; TOPMed 0.00062.
gnomAD v4.1: 575 of 1,358,132 alleles (0.042%); highest among the groups gnomAD compares: Middle Eastern, 0.52%; 1 homozygote.

Submission:

CeGaT Center for Human Genetics Tuebingen
Classification: Likely benign. Last evaluated: 2023-03-01. Review status: criteria provided, single submitter. Criteria: CeGaT Center For Human Genetics Tuebingen Variant Classification Criteria Version 2. Collection method: clinical testing. Allele origin: germline. Affected: yes. Observed: 1 variant allele.
Comment: HEATR1: BP4, BP7

NM_018072.6(HEATR1):c.1296A>G (p.Leu432=)

Gene: HEATR1 (HEAT repeat containing 1; minus strand). Cytogenetic location: 1q43.
Variant type: single nucleotide variant.
Coding change: c.1296A>G on transcript NM_018072.6 (MANE Select); coding-DNA position 1296, A replaced by G.
Protein change: p.Leu432=; no amino-acid change (leucine 432 retained).
Molecular consequence: synonymous variant.
Genome position (GRCh38, 1-based): chr1:236,592,531, T>C on the plus strand (A>G on the coding strand, the complement: HEATR1 is on the minus strand). VCF-style: chr1-236592531-T-C. GRCh37 (hg19) VCF-style: chr1-236755831-T-C.
Identifiers: ClinVar variation 2640107 (VCV002640107.24), dbSNP rs145818478, ClinGen allele CA1472299.